The following is an entry in ClinVar:

NM_001171.6(ABCC6):c.730T>G (p.Ser244Ala)

Gene: ABCC6 (ATP binding cassette subfamily C member 6; minus strand). Cytogenetic location: 16p13.11.
Variant type: single nucleotide variant.
Coding change: c.730T>G on transcript NM_001171.6 (MANE Select); coding-DNA position 730, T replaced by G.
Protein change: p.Ser244Ala; replaces serine 244 with alanine.
Molecular consequence: missense variant. On other transcripts: non-coding transcript variant (4).
Genome position (GRCh38, 1-based): chr16:16,208,792, A>C on the plus strand (T>G on the coding strand, the complement: ABCC6 is on the minus strand). VCF-style: chr16-16208792-A-C. GRCh37 (hg19) VCF-style: chr16-16302649-A-C.
Other names: c.388T>G, p.Ser130Ala (NM_001351800.1); c.730T>G, p.Ser244Ala (NM_001440309.1, NM_001440310.1); short protein forms S244A, S130A.
Identifiers: ClinVar variation 4981805 (VCV004981805.1).
Genomic context (GRCh38, chr16:16,208,792, plus strand): 5'-GGGCTGCACTGCGGTTCCTCATCCACTCCTTTTCAAGCCGGGAAACAAGTTCTTCTGAGG[A>C]GTTTTCTCTCCCAAGCGACCAGAGGTCTTTTGGTCTCAGTGGCCTCCTGTATCCCCTCCA-3'
Protein context (NP_001162.5, residues 234-254): KDLWSLGREN[Ser244Ala]SEELVSRLEK

ClinVar aggregate classification (germline): Uncertain significance (1 of 4 stars; one submission).

Conditions:
ABCC6-related disorder. Also called: ABCC6-related condition.

gnomAD v4.1: 3 of 1,613,108 alleles (0.00019%); highest among the groups gnomAD compares: South Asian, 0.0022%; no homozygotes.

Submission:

PreventionGenetics, part of Exact Sciences
Classification: Uncertain significance for ABCC6-related condition. Last evaluated: 2025-05-16. Review status: criteria provided, single submitter. Criteria: ACMG Guidelines, 2015. Collection method: clinical testing. Allele origin: germline.
Comment: The ABCC6 c.730T>G variant is predicted to result in the amino acid substitution p.Ser244Ala. To our knowledge, this variant has not been reported in the literature or in a large population database (gnomAD), indicating this variant is rare. At this time, the clinical significance of this variant is uncertain due to the absence of conclusive functional and genetic evidence.